The following is an entry in ClinVar:

ClinVar aggregate classification (germline): Uncertain significance. Review status: criteria provided, multiple submitters, no conflicts (2 of 4 stars). 3 submissions from 3 submitters: Uncertain significance (3). Last evaluated 2025-11-29.

Conditions:
Episodic ataxia type 2 (EA2). Also called: EPISODIC ATAXIA, NYSTAGMUS-ASSOCIATED; ACETAZOLAMIDE-RESPONSIVE HEREDITARY PAROXYSMAL CEREBELLAR ATAXIA; ATAXIA, EPISODIC, WITH NYSTAGMUS; ATAXIA, FAMILIAL PAROXYSMAL; CEREBELLAR ATAXIA, PAROXYSMAL, ACETAZOLAMIDE-RESPONSIVE; CEREBELLOPATHY, HEREDITARY PAROXYSMAL. Identifiers: Orphanet 97, MedGen C1720416, MONDO:0007163, OMIM 108500.
Developmental and epileptic encephalopathy, 42 (DEE42A). Also called: Epileptic encephalopathy, early infantile, 42; EPILEPTIC ENCEPHALOPATHY, EARLY INFANTILE, 42A; DEVELOPMENTAL AND EPILEPTIC ENCEPHALOPATHY 42A. Identifiers: MedGen C4310716, MONDO:0014917, OMIM 617106.

Submissions (3):

GeneDx
Classification: Uncertain significance. Last evaluated: 2025-11-29. Review status: criteria provided, single submitter. Criteria: GeneDx Variant Classification Process June 2021. Collection method: clinical testing. Allele origin: germline. Affected: yes.
Comment: Not observed at significant frequency in large population cohorts (gnomAD); In-frame deletion of 4 amino acid(s) in a non-repeat region; In silico analysis supports a deleterious effect on protein structure/function; Has not been previously published as pathogenic or benign to our knowledge

Labcorp Genetics (formerly Invitae), Labcorp
Classification: Uncertain significance for Developmental and epileptic encephalopathy, 42; Episodic ataxia type 2. Last evaluated: 2023-04-09. Review status: criteria provided, single submitter. Criteria: Invitae Variant Classification Sherloc (09022015). Collection method: clinical testing. Allele origin: germline.
Comment: This variant, c.6455_6466del, results in the deletion of 4 amino acid(s) of the CACNA1A protein (p.His2152_Arg2155del), but otherwise preserves the integrity of the reading frame. This variant is not present in population databases (gnomAD no frequency). This variant has not been reported in the literature in individuals affected with CACNA1A-related conditions. ClinVar contains an entry for this variant (Variation ID: 546830). Experimental studies and prediction algorithms are not available or were not evaluated, and the functional significance of this variant is currently unknown. In summary, the available evidence is currently insufficient to determine the role of this variant in disease. Therefore, it has been classified as a Variant of Uncertain Significance.

CeGaT Center for Human Genetics Tuebingen
Classification: Uncertain significance. Last evaluated: 2018-02-01. Review status: criteria provided, single submitter. Criteria: CeGaT Center For Human Genetics Tuebingen Variant Classification Criteria Version 2. Collection method: clinical testing. Allele origin: germline. Affected: yes. Observed: 1 variant allele.

NM_001127222.2(CACNA1A):c.6452_6463del (p.His2151_Arg2154del)

Gene: CACNA1A (calcium voltage-gated channel subunit alpha1 A; minus strand). Cytogenetic location: 19p13.13.
Variant type: Deletion.
Coding change: c.6452_6463del on transcript NM_001127222.2 (MANE Select); coding-DNA positions 6452 to 6463, 12 bases deleted (ACCACCAGCGGC).
Protein change: p.His2151_Arg2154del.
Molecular consequence: inframe deletion.
Genome position (GRCh38, 1-based): chr19:13,209,375-13,209,386, GCCGCTGGTGGT deleted on the plus strand (ACCACCAGCGGC on the coding strand, the reverse complement: CACNA1A is on the minus strand); deleting any 12 consecutive bases within chr19:13,209,375-13,209,395 gives the same sequence; the c. name uses the placement nearest the transcript's 3' end. VCF-style (leftmost placement, unchanged base first): chr19-13209374-CGCCGCTGGTGGT-C. GRCh37 (hg19) VCF-style: chr19-13320188-CGCCGCTGGTGGT-C.
Other names: c.6470_6481del, p.His2157_Arg2160del (NM_000068.4, NM_023035.3); c.6455_6466del, p.His2152_Arg2155del (NM_001127221.2); c.6461_6472del, p.His2154_Arg2157del (NM_001174080.2).
Identifiers: ClinVar variation 546830 (VCV000546830.50), dbSNP rs1469809752, ClinGen allele CA658823996.